The following is an entry in ClinVar:

NM_002108.4(HAL):c.1353+13A>G

Gene: HAL (histidine ammonia-lyase; minus strand). Cytogenetic location: 12q23.1.
Variant type: single nucleotide variant.
Coding change: c.1353+13A>G on transcript NM_002108.4 (MANE Select); 13 bases into the intron after coding-DNA position 1353, A replaced by G.
Molecular consequence: intron variant.
Genome position (GRCh38, 1-based): chr12:95,980,785, T>C on the plus strand (A>G on the coding strand, the complement: HAL is on the minus strand). VCF-style: chr12-95980785-T-C. GRCh37 (hg19) VCF-style: chr12-96374563-T-C.
Other names: c.729+13A>G (NM_001258333.2); c.1353+13A>G (NM_001258334.2).
Identifiers: ClinVar variation 310709 (VCV000310709.6), dbSNP rs6538694, ClinGen allele CA6727615.

ClinVar aggregate classification (germline): Benign. Review status: criteria provided, multiple submitters, no conflicts (2 of 4 stars). 2 submissions from 2 submitters: Benign (2). Last evaluated 2018-01-13.

Conditions:
Histidinemia. Also called: Hyperhistidinemia; Deficiency of histidine ammonia-lyase; HAL DEFICIENCY; HIS DEFICIENCY; HISTIDASE DEFICIENCY; HISTIDINE AMMONIA-LYASE DEFICIENCY. Identifiers: Orphanet 2157, MedGen C0220992, MONDO:0009345, OMIM 235800, HP:0010906.

Allele frequency attached by ClinVar (database versions not stated): ESP Exome Variant Server 0.81616; gnomAD 0.82983 and 0.83269; TOPMed 0.83472; ExAC 0.83938; gnomAD exomes 0.84082; 1000 Genomes Project 30x 0.88695; 1000 Genomes Project 0.88718.
gnomAD v4.1: 1,277,213 of 1,593,024 alleles (80%); highest among the groups gnomAD compares: East Asian, 96%; 514,318 homozygotes.

Submissions (2):

Illumina Laboratory Services, Illumina
Classification: Benign for Histidinemia. Last evaluated: 2018-01-13. Review status: criteria provided, single submitter. Criteria: ICSL Variant Classification Criteria 13 December 2019. Collection method: clinical testing. Allele origin: germline.
Comment: This variant was observed in the ICSL laboratory as part of a predisposition screen in an ostensibly healthy population. It had not been previously curated by ICSL or reported in the Human Gene Mutation Database (HGMD: prior to June 1st, 2018), and was therefore a candidate for classification through an automated scoring system. Utilizing variant allele frequency, disease prevalence and penetrance estimates, and inheritance mode, an automated score was calculated to assess if this variant is too frequent to cause the disease. Based on the score and internal cut-off values, a variant classified as benign is not then subjected to further curation. The score for this variant resulted in a classification of benign for this disease.

Breakthrough Genomics
Classification: Benign. Review status: criteria provided, single submitter. Criteria: ACMG Guidelines, 2015. Collection method: not provided. Allele origin: germline. Inheritance: Autosomal recessive inheritance. Affected: yes.